The following is an entry in ClinVar:

ClinVar aggregate classification (germline): Uncertain significance (1 of 4 stars; one submission).

Allele frequency attached by ClinVar (database versions not stated): ExAC 0.00001; gnomAD 0.00001 and 0.00002; gnomAD exomes 0.00002; TOPMed 0.00003; ESP Exome Variant Server 0.00008.
gnomAD v4.1: 37 of 1,600,476 alleles (0.0023%); highest among the groups gnomAD compares: Non-Finnish European, 0.0029%; no homozygotes.

Submission:

Labcorp Genetics (formerly Invitae), Labcorp
Classification: Uncertain significance. Last evaluated: 2025-12-24. Review status: criteria provided, single submitter. Criteria: Invitae Variant Classification Sherloc (09022015). Collection method: clinical testing. Allele origin: germline.
Comment: This sequence change falls in intron 4 of the OTULIN gene. It does not directly change the encoded amino acid sequence of the OTULIN protein. It affects a nucleotide within the consensus splice site. This variant is present in population databases (rs367819985, gnomAD 0.006%). This variant has not been reported in the literature in individuals affected with OTULIN-related conditions. ClinVar contains an entry for this variant (Variation ID: 1395368). Variants that disrupt the consensus splice site are a relatively common cause of aberrant splicing (PMID: 17576681, 9536098). Algorithms developed to predict the effect of sequence changes on RNA splicing suggest that this variant is not likely to affect RNA splicing. In summary, the available evidence is currently insufficient to determine the role of this variant in disease. Therefore, it has been classified as a Variant of Uncertain Significance.

Literature cited by the submitters: PubMed 17576681; PubMed 9536098.

NM_138348.6(OTULIN):c.468+4C>T

Gene: OTULIN (OTU deubiquitinase with linear linkage specificity; plus strand). Cytogenetic location: 5p15.2.
Variant type: single nucleotide variant.
Coding change: c.468+4C>T on transcript NM_138348.6 (MANE Select); 4 bases into the intron after coding-DNA position 468, C replaced by T.
Molecular consequence: intron variant.
Genome position (GRCh38, 1-based): chr5:14,681,611, C>T. VCF-style: chr5-14681611-C-T. GRCh37 (hg19) VCF-style: chr5-14681720-C-T.
Identifiers: ClinVar variation 1395368 (VCV001395368.4), dbSNP rs367819985, ClinGen allele CA3208609.
Genomic context (GRCh38, chr5:14,681,611, plus strand): 5'-GCCATGAGCCAGGCTGTGGGGCTGCCGCCCTGGCTGCAGGACCCGGAGCTCATGCTGGTA[C>T]GCTGCTGCTGCAGGTTTGAGTCCAAAATGTTTCAAACAATTTTTGTGAGAAAACTTTCCC-3'